The following is an entry in ClinVar:

ClinVar aggregate classification (germline): Benign/Likely benign. Review status: criteria provided, multiple submitters, no conflicts (2 of 4 stars). 4 submissions from 4 submitters: Benign (1); Likely benign (3). Last evaluated 2026-06-17.

Conditions:
Polyps, multiple and recurrent inflammatory fibroid, gastrointestinal. Identifiers: MedGen C5193005, MONDO:0008285, OMIM 175510.
Hereditary cancer-predisposing syndrome. Also called: Neoplastic Syndromes, Hereditary; Tumor predisposition; Hereditary Cancer Syndrome; Hereditary neoplastic syndrome. Identifiers: Orphanet 140162, MedGen C0027672, MeSH D009386, MONDO:0015356.
Gastrointestinal stromal tumor. Also called: Gastrointestinal stroma tumor; Gastrointestinal stromal tumor, somatic. Identifiers: Orphanet 44890, MedGen C0238198, MeSH D046152, MONDO:0011719, OMIM 606764, HP:0100723.

Allele frequency attached by ClinVar (database versions not stated): TOPMed 0.00001.
gnomAD v4.1: 17 of 1,580,620 alleles (0.0011%); highest among the groups gnomAD compares: Non-Finnish European, 0.0015%; no homozygotes.

Submissions (4):

Myriad Genetics, Inc.
Classification: Benign for Polyps, multiple and recurrent inflammatory fibroid, gastrointestinal. Last evaluated: 2026-06-17. Review status: criteria provided, single submitter. Criteria: Myriad Autosomal Dominant, Autosomal Recessive and X-Linked Classification Criteria (2023). Collection method: clinical testing. Allele origin: unknown.
Comment: This variant is considered benign. This variant is a silent/synonymous amino acid change and it is not expected to impact splicing.

Labcorp Genetics (formerly Invitae), Labcorp
Classification: Likely benign for Gastrointestinal stromal tumor. Last evaluated: 2026-01-30. Review status: criteria provided, single submitter. Criteria: Invitae Variant Classification Sherloc (09022015). Collection method: clinical testing. Allele origin: germline.

Blueprint Genetics
Classification: Likely benign. Last evaluated: 2024-04-10. Review status: criteria provided, single submitter. Criteria: ACMG Guidelines, 2015. Collection method: clinical testing. Allele origin: germline.

Ambry Genetics
Classification: Likely benign for Hereditary cancer-predisposing syndrome. Last evaluated: 2019-12-09. Review status: criteria provided, single submitter. Criteria: Ambry Variant Classification Scheme 2023. Collection method: clinical testing. Allele origin: germline.

NM_006206.6(PDGFRA):c.2613C>T (p.Leu871=)

Gene: PDGFRA (platelet derived growth factor receptor alpha; plus strand). Cytogenetic location: 4q12.
Variant type: single nucleotide variant.
Coding change: c.2613C>T on transcript NM_006206.6 (MANE Select); coding-DNA position 2613, C replaced by T.
Protein change: p.Leu871=; no amino-acid change (leucine 871 retained).
Molecular consequence: synonymous variant.
Genome position (GRCh38, 1-based): chr4:54,287,480, C>T. VCF-style: chr4-54287480-C-T. GRCh37 (hg19) VCF-style: chr4-55153647-C-T.
Other names: c.2688C>T, p.Leu896= (NM_001347828.2); c.2613C>T, p.Leu871= (NM_001347829.2); c.2652C>T, p.Leu884= (NM_001347830.2).
Identifiers: ClinVar variation 414494 (VCV000414494.16), dbSNP rs774190208, ClinGen allele CA2922912.